The following is an entry in ClinVar:

NM_000520.6(HEXA):c.275A>G (p.Lys92Arg)

Gene: HEXA (hexosaminidase subunit alpha; minus strand). Cytogenetic location: 15q23.
Variant type: single nucleotide variant.
Coding change: c.275A>G on transcript NM_000520.6 (MANE Select); coding-DNA position 275, A replaced by G.
Protein change: p.Lys92Arg; replaces lysine 92 with arginine.
Molecular consequence: missense variant. On other transcripts: non-coding transcript variant (1).
Genome position (GRCh38, 1-based): chr15:72,356,596, T>C on the plus strand (A>G on the coding strand, the complement: HEXA is on the minus strand). VCF-style: chr15-72356596-T-C. GRCh37 (hg19) VCF-style: chr15-72648937-T-C.
Other names: c.308A>G, p.Lys103Arg (NM_001318825.2); short protein forms K103R, K92R.
Identifiers: ClinVar variation 1413219 (VCV001413219.6), dbSNP rs1208872523, ClinGen allele CA393067553.

ClinVar aggregate classification (germline): Uncertain significance. Review status: criteria provided, multiple submitters, no conflicts (2 of 4 stars). 2 submissions from 2 submitters: Uncertain significance (2). Last evaluated 2022-05-04.

Conditions:
Tay-Sachs disease (TSD). Also called: HEXA DEFICIENCY; GM2 gangliosidosis, type 1; Hexosaminidase alpha-subunit deficiency (variant B); Sphingolipidosis, Tay-Sachs; HEXA Disorders; Hexosaminidase A Deficiency. Identifiers: Orphanet 845, MedGen C0039373, MONDO:0010100, OMIM 272800.

Allele frequency attached by ClinVar (database versions not stated): TOPMed below 0.00001; gnomAD 0.00001.
gnomAD v4.1: 9 of 1,614,026 alleles (0.00056%); highest among the groups gnomAD compares: Non-Finnish European, 0.00076%; no homozygotes.

Submissions (2):

Labcorp Genetics (formerly Invitae), Labcorp
Classification: Uncertain significance for Tay-Sachs disease. Last evaluated: 2022-05-04. Review status: criteria provided, single submitter. Criteria: Invitae Variant Classification Sherloc (09022015). Collection method: clinical testing. Allele origin: germline.
Comment: This sequence change replaces lysine, which is basic and polar, with arginine, which is basic and polar, at codon 92 of the HEXA protein (p.Lys92Arg). This variant is present in population databases (no rsID available, gnomAD 0.007%). This variant has not been reported in the literature in individuals affected with HEXA-related conditions. Algorithms developed to predict the effect of missense changes on protein structure and function (SIFT, PolyPhen-2, Align-GVGD) all suggest that this variant is likely to be tolerated. In summary, the available evidence is currently insufficient to determine the role of this variant in disease. Therefore, it has been classified as a Variant of Uncertain Significance.

Fulgent Genetics
Classification: Uncertain significance for Tay-Sachs disease. Last evaluated: 2021-12-08. Review status: criteria provided, single submitter. Criteria: ACMG Guidelines, 2015. Collection method: clinical testing. Allele origin: unknown.